The following is an entry in ClinVar:

ClinVar aggregate classification (germline): Uncertain significance. Review status: criteria provided, multiple submitters, no conflicts (2 of 4 stars). 2 submissions from 2 submitters: Uncertain significance (2). Last evaluated 2025-12-16.

Conditions:
Inborn genetic diseases. Identifiers: MedGen C0950123, MeSH D030342.

gnomAD v4.1: 4 of 1,613,702 alleles (0.00025%); highest among the groups gnomAD compares: Non-Finnish European, 0.00034%; no homozygotes.

Submissions (2):

Ambry Genetics
Classification: Uncertain significance for Inborn genetic diseases. Last evaluated: 2025-12-16. Review status: criteria provided, single submitter. Criteria: Ambry Variant Classification Scheme 2023. Collection method: clinical testing. Allele origin: germline.

Labcorp Genetics (formerly Invitae), Labcorp
Classification: Uncertain significance. Last evaluated: 2022-03-19. Review status: criteria provided, single submitter. Criteria: Invitae Variant Classification Sherloc (09022015). Collection method: clinical testing. Allele origin: germline.
Comment: This sequence change replaces leucine, which is neutral and non-polar, with phenylalanine, which is neutral and non-polar, at codon 672 of the FAT1 protein (p.Leu672Phe). This variant is not present in population databases (gnomAD no frequency). This variant has not been reported in the literature in individuals affected with FAT1-related conditions. Algorithms developed to predict the effect of missense changes on protein structure and function are either unavailable or do not agree on the potential impact of this missense change (SIFT: "Deleterious"; PolyPhen-2: "Benign"; Align-GVGD: "Class C15"). In summary, the available evidence is currently insufficient to determine the role of this variant in disease. Therefore, it has been classified as a Variant of Uncertain Significance.

NM_005245.4(FAT1):c.2016G>C (p.Leu672Phe)

Gene: FAT1 (FAT atypical cadherin 1; minus strand). Cytogenetic location: 4q35.2.
Variant type: single nucleotide variant.
Coding change: c.2016G>C on transcript NM_005245.4 (MANE Select); coding-DNA position 2016, G replaced by C.
Protein change: p.Leu672Phe; replaces leucine 672 with phenylalanine.
Molecular consequence: missense variant.
Genome position (GRCh38, 1-based): chr4:186,707,812, C>G on the plus strand (G>C on the coding strand, the complement: FAT1 is on the minus strand). VCF-style: chr4-186707812-C-G. GRCh37 (hg19) VCF-style: chr4-187628966-C-G.
Other names: c.2016G>C (NM_005245.3); short protein forms L672F.
Identifiers: ClinVar variation 1508218 (VCV001508218.6), dbSNP rs1352963831, ClinGen allele CA358987903.
Genomic context (GRCh38, chr4:186,707,812, plus strand): 5'-TTTATTTGCCTGCAGGAGCTTCTCTGCCAGCATTTTGGCAACACCAGTCTCTTCACACTG[C>G]AAGTTTACCAGCTTGTGACTGGCAGCCACTGTTATGTTGATATATAATGGTGTGGCAAAA-3'
Protein context (NP_005236.2, residues 662-682): TVAASHKLVN[Leu672Phe]QCEETGVAKM